The following is an entry in ClinVar:

ClinVar aggregate classification (germline): Uncertain significance (1 of 4 stars; one submission).

Conditions:
Primary ciliary dyskinesia. Also called: Ciliary dyskinesia. Identifiers: Orphanet 244, MedGen C0008780, MONDO:0016575, HP:0012265.

Submissions (2):

Labcorp Genetics (formerly Invitae), Labcorp
Classification: Uncertain significance for Primary ciliary dyskinesia. Last evaluated: 2025-11-24. Review status: criteria provided, single submitter. Criteria: Invitae Variant Classification Sherloc (09022015). Collection method: clinical testing. Allele origin: germline.
Comment: This sequence change affects codon 76 of the RPGR mRNA. It is a 'silent' change, meaning that it does not change the encoded amino acid sequence of the RPGR protein. This variant is not present in population databases (gnomAD no frequency). This variant has not been reported in the literature in individuals affected with RPGR-related conditions. Algorithms developed to predict the effect of sequence changes on RNA splicing suggest that this variant may disrupt the consensus splice site. In summary, the available evidence is currently insufficient to determine the role of this variant in disease. Therefore, it has been classified as a Variant of Uncertain Significance.

Dr. Peter K. Rogan Lab, Western University
No classification provided (evidence only). Condition: Nonpapillary renal cell carcinoma. Review status: no classification provided. Collection method: in vitro. Allele origin: not applicable. Functional consequence: retained intron. Not counted in ClinVar's aggregate classification.

NM_001034853.2(RPGR):c.228C>T (p.Ser76=)

Gene: RPGR (retinitis pigmentosa GTPase regulator; minus strand). Cytogenetic location: Xp11.4.
Variant type: single nucleotide variant.
Coding change: c.228C>T on transcript NM_001034853.2 (MANE Select); coding-DNA position 228, C replaced by T.
Protein change: p.Ser76=; no amino-acid change (serine 76 retained).
Molecular consequence: synonymous variant. On other transcripts: non-coding transcript variant (6).
Genome position (GRCh38, 1-based): chrX:38,322,872, G>A on the plus strand (C>T on the coding strand, the complement: RPGR is on the minus strand). VCF-style: chrX-38322872-G-A. GRCh37 (hg19) VCF-style: chrX-38182125-G-A.
Other names: NC_000023.10:g.38182125G>A; c.228C>T, p.Ser76= (NM_000328.3, NM_001367245.1, NM_001367246.1 and 4 more transcripts); c.258C>T, p.Ser86= (NM_001367248.1).
Identifiers: ClinVar variation 4488054 (VCV004488054.2).